The following is an entry in ClinVar:

NM_176787.5(PIGN):c.200A>G (p.Asn67Ser)

Gene: PIGN (phosphatidylinositol glycan anchor biosynthesis class N; minus strand). Cytogenetic location: 18q21.33.
Variant type: single nucleotide variant.
Coding change: c.200A>G on transcript NM_176787.5 (MANE Select); coding-DNA position 200, A replaced by G.
Protein change: p.Asn67Ser; replaces asparagine 67 with serine.
Molecular consequence: missense variant.
Genome position (GRCh38, 1-based): chr18:62,161,154, T>C on the plus strand (A>G on the coding strand, the complement: PIGN is on the minus strand). VCF-style: chr18-62161154-T-C. GRCh37 (hg19) VCF-style: chr18-59828387-T-C.
Other names: c.200A>G, p.Asn67Ser (NM_012327.6); short protein forms N67S.
Identifiers: ClinVar variation 653626 (VCV000653626.6), dbSNP rs1328150234, ClinGen allele CA402604229.
Genomic context (GRCh38, chr18:62,161,154, plus strand): 5'-CATTTTAAGAGATGTCTCTGTATCAGTTTACATGCTTACCTAATAAACGGTGCTCTAGAG[T>C]TTCCATTTTCATCTAATTCGTAAAGTGCATCTGCTCGAAGGCCATCAGCAACAAACAACA-3'
Protein context (NP_789744.1, residues 57-77): DALYELDENG[Asn67Ser]SRAPFIRNII

ClinVar aggregate classification (germline): Uncertain significance (1 of 4 stars; one submission).

Conditions:
Multiple congenital anomalies-hypotonia-seizures syndrome 1 (MCAHS1). Also called: GLYCOSYLPHOSPHATIDYLINOSITOL BIOSYNTHESIS DEFECT 3; PIGN-CDG; Congenital disorder of glycosylation due to PIGN deficiency. Identifiers: Orphanet 280633, MedGen C3279775, MONDO:0013563, OMIM 614080.

Allele frequency attached by ClinVar (database versions not stated): gnomAD exomes below 0.00001.
gnomAD v4.1: 1 of 1,612,120 alleles (0.000062%); highest among the groups gnomAD compares: African/African-American, 0.0013%; no homozygotes.

Submission:

Labcorp Genetics (formerly Invitae), Labcorp
Classification: Uncertain significance for Multiple congenital anomalies-hypotonia-seizures syndrome 1. Last evaluated: 2021-08-31. Review status: criteria provided, single submitter. Criteria: Invitae Variant Classification Sherloc (09022015). Collection method: clinical testing. Allele origin: germline.
Comment: This sequence change replaces asparagine with serine at codon 67 of the PIGN protein (p.Asn67Ser). The asparagine residue is weakly conserved and there is a small physicochemical difference between asparagine and serine. This variant is not present in population databases (ExAC no frequency). This variant has not been reported in the literature in individuals affected with PIGN-related conditions. Algorithms developed to predict the effect of missense changes on protein structure and function output the following: SIFT: "Tolerated"; PolyPhen-2: "Benign"; Align-GVGD: "Class C0". The serine amino acid residue is found in multiple mammalian species, which suggests that this missense change does not adversely affect protein function. In summary, the available evidence is currently insufficient to determine the role of this variant in disease. Therefore, it has been classified as a Variant of Uncertain Significance.